The following is an entry in ClinVar:

ClinVar aggregate classification (germline): Likely benign. Review status: criteria provided, single submitter (1 of 4 stars). 2 submissions from 2 submitters: Likely benign (1). 1 of the submissions does not count toward it. Last evaluated 2023-01-12.

Conditions:
Rubinstein-Taybi syndrome due to EP300 haploinsufficiency. Also called: RUBINSTEIN-TAYBI SYNDROME 2; EP300-Related Rubinstein-Taybi Syndrome. Identifiers: Orphanet 353284, Orphanet 783, MedGen C3150941, MONDO:0013364, OMIM 613684.
EP300-related disorder. Also called: EP300-related condition; EP300-related disorders.

Allele frequency attached by ClinVar (database versions not stated): gnomAD exomes below 0.00001; ExAC 0.00001; gnomAD 0.00001; TOPMed 0.00003; ESP Exome Variant Server 0.00008.

Submissions (2):

Labcorp Genetics (formerly Invitae), Labcorp
Classification: Likely benign for Rubinstein-Taybi syndrome due to EP300 haploinsufficiency. Last evaluated: 2023-01-12. Review status: criteria provided, single submitter. Criteria: Invitae Variant Classification Sherloc (09022015). Collection method: clinical testing. Allele origin: germline.

PreventionGenetics, part of Exact Sciences
Classification: Likely benign for EP300-related condition. Last evaluated: 2023-07-18. Review status: no assertion criteria provided. Collection method: clinical testing. Allele origin: germline. Not counted in ClinVar's aggregate classification.
Comment: This variant is classified as likely benign based on ACMG/AMP sequence variant interpretation guidelines (Richards et al. 2015 PMID: 25741868, with internal and published modifications).

NM_001429.4(EP300):c.2818-5C>T

Genes: EP300 (EP300 lysine acetyltransferase; plus strand), LOC126863158 (BRD4-independent group 4 enhancer GRCh37_chr22:41547383-41548582; plus strand). Cytogenetic location: 22q13.2.
Variant type: single nucleotide variant.
Coding change: c.2818-5C>T on transcript NM_001429.4 (MANE Select); 5 bases into the intron before coding-DNA position 2818, C replaced by T.
Molecular consequence: intron variant.
Genome position (GRCh38, 1-based): chr22:41,151,828, C>T. VCF-style: chr22-41151828-C-T. GRCh37 (hg19) VCF-style: chr22-41547832-C-T.
Other names: c.2740-5C>T (NM_001362843.2); c.2818-5C>T (NM_001429.3).
Identifiers: ClinVar variation 2731506 (VCV002731506.4), dbSNP rs374518360, ClinGen allele CA10252973.